The following is an entry in ClinVar:

NM_002661.5(PLCG2):c.708G>A (p.Pro236=)

Gene: PLCG2 (phospholipase C gamma 2; plus strand). Cytogenetic location: 16q23.3.
Variant type: single nucleotide variant.
Coding change: c.708G>A on transcript NM_002661.5 (MANE Select); coding-DNA position 708, G replaced by A.
Protein change: p.Pro236=; no amino-acid change (proline 236 retained).
Molecular consequence: synonymous variant.
Genome position (GRCh38, 1-based): chr16:81,883,284, G>A. VCF-style: chr16-81883284-G-A. GRCh37 (hg19) VCF-style: chr16-81916889-G-A.
Identifiers: ClinVar variation 2646896 (VCV002646896.27), dbSNP rs946766394, ClinGen allele CA285204751.

ClinVar aggregate classification (germline): Likely benign. Review status: criteria provided, multiple submitters, no conflicts (2 of 4 stars). 3 submissions from 3 submitters: Likely benign (3). Last evaluated 2025-10-21.

Conditions:
Familial cold autoinflammatory syndrome 3 (FCAS3). Also called: FAMILIAL ATYPICAL COLD URTICARIA; ANTIBODY DEFICIENCY AND IMMUNE DYSREGULATION, PLCG2-ASSOCIATED. Identifiers: Orphanet 300359, MedGen C3280914, MONDO:0013766, OMIM 614468.

Allele frequency attached by ClinVar (database versions not stated): gnomAD 0.00001; gnomAD exomes 0.00001; TOPMed 0.00002.
gnomAD v4.1: 11 of 1,613,976 alleles (0.00068%); highest among the groups gnomAD compares: African/African-American, 0.0013%; no homozygotes.

Submissions (3):

Labcorp Genetics (formerly Invitae), Labcorp
Classification: Likely benign for Familial cold autoinflammatory syndrome 3. Last evaluated: 2025-10-21. Review status: criteria provided, single submitter. Criteria: Invitae Variant Classification Sherloc (09022015). Collection method: clinical testing. Allele origin: germline.

Blueprint Genetics
Classification: Likely benign. Last evaluated: 2023-09-15. Review status: criteria provided, single submitter. Criteria: ACMG Guidelines, 2015. Collection method: clinical testing. Allele origin: germline.

CeGaT Center for Human Genetics Tuebingen
Classification: Likely benign. Last evaluated: 2023-05-01. Review status: criteria provided, single submitter. Criteria: CeGaT Center For Human Genetics Tuebingen Variant Classification Criteria Version 2. Collection method: clinical testing. Allele origin: germline. Affected: yes. Observed: 1 variant allele.
Comment: PLCG2: BP4, BP7